The following is an entry in ClinVar:

ClinVar aggregate classification (germline): Uncertain significance. Review status: criteria provided, multiple submitters, no conflicts (2 of 4 stars). 2 submissions from 2 submitters: Uncertain significance (2). Last evaluated 2025-04-11.

Conditions:
Inborn genetic diseases. Identifiers: MedGen C0950123, MeSH D030342.

Allele frequency attached by ClinVar (database versions not stated): gnomAD exomes 0.00001; ExAC 0.00002; gnomAD 0.00002; TOPMed 0.00002.

Submissions (2):

Ambry Genetics
Classification: Uncertain significance for Inborn genetic diseases. Last evaluated: 2025-04-11. Review status: criteria provided, single submitter. Criteria: Ambry Variant Classification Scheme 2023. Collection method: clinical testing. Allele origin: germline.

Labcorp Genetics (formerly Invitae), Labcorp
Classification: Uncertain significance. Last evaluated: 2023-05-09. Review status: criteria provided, single submitter. Criteria: Invitae Variant Classification Sherloc (09022015). Collection method: clinical testing. Allele origin: germline.
Comment: This sequence change replaces arginine, which is basic and polar, with glutamine, which is neutral and polar, at codon 513 of the CAMTA1 protein (p.Arg513Gln). This variant is present in population databases (rs751591241, gnomAD 0.004%). This variant has not been reported in the literature in individuals affected with CAMTA1-related conditions. ClinVar contains an entry for this variant (Variation ID: 2155862). An algorithm developed to predict the effect of missense changes on protein structure and function (PolyPhen-2) suggests that this variant is likely to be tolerated. In summary, the available evidence is currently insufficient to determine the role of this variant in disease. Therefore, it has been classified as a Variant of Uncertain Significance.

NM_015215.4(CAMTA1):c.1538G>A (p.Arg513Gln)

Gene: CAMTA1 (calmodulin binding transcription activator 1; plus strand). Cytogenetic location: 1p36.23.
Variant type: single nucleotide variant.
Coding change: c.1538G>A on transcript NM_015215.4 (MANE Select); coding-DNA position 1538, G replaced by A.
Protein change: p.Arg513Gln; replaces arginine 513 with glutamine.
Molecular consequence: missense variant.
Genome position (GRCh38, 1-based): chr1:7,664,085, G>A. VCF-style: chr1-7664085-G-A. GRCh37 (hg19) VCF-style: chr1-7724145-G-A.
Other names: c.1448G>A, p.Arg483Gln (NM_001349608.2, NM_001349612.2); c.1538G>A, p.Arg513Gln (NM_001349609.2, NM_001349610.2, NM_001410737.1); c.1466G>A, p.Arg489Gln (NM_001410738.1); c.1538G>A (NM_015215.2); short protein forms R483Q, R489Q, R513Q.
Identifiers: ClinVar variation 2155862 (VCV002155862.5), dbSNP rs751591241, ClinGen allele CA566460.
Genomic context (GRCh38, chr1:7,664,085, plus strand): 5'-AGCAGGGCCAGACGTACGGGGGTGGAGGCCTGAAAGCCGAGATGGTCAGCTCCAACATCC[G>A]GCACTCGCCACCCGGGGAGCGGAGCTTCAGCTTTACCACCGTCCTCACCAAGGAGATCAA-3'
Protein context (NP_056030.1, residues 503-523): LKAEMVSSNI[Arg513Gln]HSPPGERSFS